The following is an entry in ClinVar:

NM_001368882.1(COL13A1):c.478G>T (p.Ala160Ser)

Gene: COL13A1 (collagen type XIII alpha 1 chain; plus strand). Cytogenetic location: 10q22.1.
Variant type: single nucleotide variant.
Coding change: c.478G>T on transcript NM_001368882.1 (MANE Select); coding-DNA position 478, G replaced by T.
Protein change: p.Ala160Ser; replaces alanine 160 with serine.
Molecular consequence: missense variant. On other transcripts: 5 prime UTR variant (1), intron variant (5).
Genome position (GRCh38, 1-based): chr10:69,880,518, G>T. VCF-style: chr10-69880518-G-T. GRCh37 (hg19) VCF-style: chr10-71640274-G-T.
Other names: c.451G>T, p.Ala151Ser (NM_001130103.2, NM_080800.4, NM_080801.4 and 1 more transcripts); c.478G>T, p.Ala160Ser (NM_001320951.2, NM_001368884.1); c.442G>T, p.Ala148Ser (NM_001368883.1, NM_001368885.1); c.-123G>T (NM_001368886.1); c.388G>T, p.Ala130Ser (NM_001368895.1); c.400-6938G>T (NM_080805.4, NM_001368897.1); c.373-6938G>T (NM_001368898.1, NM_080798.4, NM_001368896.1); short protein forms A130S, A151S, A148S, A160S.
Identifiers: ClinVar variation 2142175 (VCV002142175.1), dbSNP rs144774788, ClinGen allele CA5534182.

ClinVar aggregate classification (germline): Uncertain significance (1 of 4 stars; one submission).

Allele frequency attached by ClinVar (database versions not stated): 1000 Genomes Project 30x 0.00047; 1000 Genomes Project 0.00060.
gnomAD v4.1: 55 of 1,613,090 alleles (0.0034%); highest among the groups gnomAD compares: African/African-American, 0.063%; no homozygotes.

Submission:

Labcorp Genetics (formerly Invitae), Labcorp
Classification: Uncertain significance. Last evaluated: 2022-07-05. Review status: criteria provided, single submitter. Criteria: Invitae Variant Classification Sherloc (09022015). Collection method: clinical testing. Allele origin: germline.
Comment: This sequence change replaces alanine, which is neutral and non-polar, with serine, which is neutral and polar, at codon 151 of the COL13A1 protein (p.Ala151Ser). This variant is present in population databases (rs144774788, gnomAD 0.07%). This variant has not been reported in the literature in individuals affected with COL13A1-related conditions. Algorithms developed to predict the effect of missense changes on protein structure and function are either unavailable or do not agree on the potential impact of this missense change (SIFT: "Deleterious"; PolyPhen-2: "Benign"; Align-GVGD: "Class C65"). In summary, the available evidence is currently insufficient to determine the role of this variant in disease. Therefore, it has been classified as a Variant of Uncertain Significance.